The following is an entry in ClinVar:

NM_001267052.2(UNC45B):c.2596G>A (p.Gly866Ser)

Gene: UNC45B (unc-45 myosin chaperone B; plus strand). Cytogenetic location: 17q12.
Variant type: single nucleotide variant.
Coding change: c.2596G>A on transcript NM_001267052.2 (MANE Select); coding-DNA position 2596, G replaced by A.
Protein change: p.Gly866Ser; replaces glycine 866 with serine.
Molecular consequence: missense variant.
Genome position (GRCh38, 1-based): chr17:35,186,365, G>A. VCF-style: chr17-35186365-G-A. GRCh37 (hg19) VCF-style: chr17-33513384-G-A.
Other names: c.2596G>A, p.Gly866Ser (NM_001033576.2); c.2359G>A, p.Gly787Ser (NM_001308281.1); c.2602G>A, p.Gly868Ser (NM_173167.3); short protein forms G866S, G868S, G787S.
Identifiers: ClinVar variation 2398530 (VCV002398530.3), dbSNP rs769930218, ClinGen allele CA8501595.

ClinVar aggregate classification (germline): Uncertain significance. Review status: criteria provided, multiple submitters, no conflicts (2 of 4 stars). 2 submissions from 2 submitters: Uncertain significance (2). Last evaluated 2026-05-04.

Conditions:
Inborn genetic diseases. Identifiers: MedGen C0950123, MeSH D030342.
UNC45B-related disorder. Also called: UNC45B-related condition.

Allele frequency attached by ClinVar (database versions not stated): gnomAD 0.00001; gnomAD exomes 0.00002; TOPMed 0.00003; ExAC 0.00007.

Submissions (2):

PreventionGenetics, part of Exact Sciences
Classification: Uncertain significance for UNC45B-related condition. Last evaluated: 2026-05-04. Review status: criteria provided, single submitter. Criteria: ACMG Guidelines, 2015. Collection method: clinical testing. Allele origin: germline.
Comment: The UNC45B c.2602G>A variant is predicted to result in the amino acid substitution p.Gly868Ser. To our knowledge, this variant has not been reported in the literature. This variant is present in 0.045% of alleles in individuals of Latino descent in gnomAD. At this time, the clinical significance of this variant is uncertain due to the absence of conclusive functional and genetic evidence.

Ambry Genetics
Classification: Uncertain significance for Inborn genetic diseases. Last evaluated: 2022-08-02. Review status: criteria provided, single submitter. Criteria: Ambry Variant Classification Scheme 2023. Collection method: clinical testing. Allele origin: germline.